The following is an entry in ClinVar:

NM_002519.3(NPAT):c.2411T>G (p.Val804Gly)

Gene: NPAT (nuclear protein, coactivator of histone transcription; minus strand). Cytogenetic location: 11q22.3.
Variant type: single nucleotide variant.
Coding change: c.2411T>G on transcript NM_002519.3 (MANE Select); coding-DNA position 2411, T replaced by G.
Protein change: p.Val804Gly; replaces valine 804 with glycine.
Molecular consequence: missense variant.
Genome position (GRCh38, 1-based): chr11:108,172,573, A>C on the plus strand (T>G on the coding strand, the complement: NPAT is on the minus strand). VCF-style: chr11-108172573-A-C. GRCh37 (hg19) VCF-style: chr11-108043300-A-C.
Other names: c.2411T>G, p.Val804Gly (NM_001321307.1); short protein forms V804G.
Identifiers: ClinVar variation 3644389 (VCV003644389.2).

ClinVar aggregate classification (germline): Uncertain significance (1 of 4 stars; one submission).

Submission:

Labcorp Genetics (formerly Invitae), Labcorp
Classification: Uncertain significance. Last evaluated: 2024-03-03. Review status: criteria provided, single submitter. Criteria: Invitae Variant Classification Sherloc (09022015). Collection method: clinical testing. Allele origin: germline.
Comment: This sequence change replaces valine, which is neutral and non-polar, with glycine, which is neutral and non-polar, at codon 804 of the NPAT protein (p.Val804Gly). This variant is not present in population databases (gnomAD no frequency). This variant has not been reported in the literature in individuals affected with NPAT-related conditions. An algorithm developed to predict the effect of missense changes on protein structure and function (PolyPhen-2) suggests that this variant is likely to be tolerated. In summary, the available evidence is currently insufficient to determine the role of this variant in disease. Therefore, it has been classified as a Variant of Uncertain Significance.